The following is an entry in ClinVar:

ClinVar aggregate classification (germline): Uncertain significance (1 of 4 stars; one submission).

Submission:

Labcorp Genetics (formerly Invitae), Labcorp
Classification: Uncertain significance. Last evaluated: 2025-10-11. Review status: criteria provided, single submitter. Criteria: Invitae Variant Classification Sherloc (09022015). Collection method: clinical testing. Allele origin: germline.
Comment: This sequence change replaces histidine, which is basic and polar, with tyrosine, which is neutral and polar, at codon 501 of the AP3D1 protein (p.His501Tyr). This variant is not present in population databases (gnomAD no frequency). This variant has not been reported in the literature in individuals affected with AP3D1-related conditions. ClinVar contains an entry for this variant (Variation ID: 3655248). An algorithm developed to predict the effect of missense changes on protein structure and function (PolyPhen-2) suggests that this variant is likely to be tolerated. In summary, the available evidence is currently insufficient to determine the role of this variant in disease. Therefore, it has been classified as a Variant of Uncertain Significance.

NM_001261826.3(AP3D1):c.1501C>T (p.His501Tyr)

Gene: AP3D1 (adaptor related protein complex 3 subunit delta 1; minus strand). Cytogenetic location: 19p13.3.
Variant type: single nucleotide variant.
Coding change: c.1501C>T on transcript NM_001261826.3 (MANE Select); coding-DNA position 1501, C replaced by T.
Protein change: p.His501Tyr; replaces histidine 501 with tyrosine.
Molecular consequence: missense variant.
Genome position (GRCh38, 1-based): chr19:2,118,813, G>A on the plus strand (C>T on the coding strand, the complement: AP3D1 is on the minus strand). VCF-style: chr19-2118813-G-A. GRCh37 (hg19) VCF-style: chr19-2118812-G-A.
Other names: c.1501C>T, p.His501Tyr (NM_001374799.1, NM_003938.8); short protein forms H501Y.
Identifiers: ClinVar variation 3655248 (VCV003655248.2).